The following is an entry in ClinVar:

ClinVar aggregate classification (germline): Conflicting classifications of pathogenicity. Review status: criteria provided, conflicting classifications (1 of 4 stars). 2 submissions from 2 submitters: Uncertain significance (1); Likely benign (1). Last evaluated 2023-11-11.

Conditions:
Short-rib thoracic dysplasia 10 with or without polydactyly (SRTD10). Identifiers: Orphanet 474, MedGen C3810175, MONDO:0014284, OMIM 615630.
Retinitis pigmentosa 71 (RP71). Identifiers: Orphanet 791, MedGen C4225342, MONDO:0014618, OMIM 616394.

Submissions (2):

Blueprint Genetics
Classification: Likely benign. Last evaluated: 2023-11-11. Review status: criteria provided, single submitter. Criteria: ACMG Guidelines, 2015. Collection method: clinical testing. Allele origin: germline.

Labcorp Genetics (formerly Invitae), Labcorp
Classification: Uncertain significance for Retinitis pigmentosa 71; Short-rib thoracic dysplasia 10 with or without polydactyly. Last evaluated: 2022-06-27. Review status: criteria provided, single submitter. Criteria: Invitae Variant Classification Sherloc (09022015). Collection method: clinical testing. Allele origin: germline.
Comment: Variants that disrupt the consensus splice site are a relatively common cause of aberrant splicing (PMID: 17576681, 9536098). Algorithms developed to predict the effect of sequence changes on RNA splicing suggest that this variant is not likely to affect RNA splicing. In summary, the available evidence is currently insufficient to determine the role of this variant in disease. Therefore, it has been classified as a Variant of Uncertain Significance. This variant has not been reported in the literature in individuals affected with IFT172-related conditions. This variant is not present in population databases (gnomAD no frequency). This sequence change falls in intron 13 of the IFT172 gene. It does not directly change the encoded amino acid sequence of the IFT172 protein. It affects a nucleotide within the consensus splice site.

Literature cited by the submitters: PubMed 17576681 (cited by Labcorp Genetics (formerly Invitae), Labcorp); PubMed 9536098 (cited by Labcorp Genetics (formerly Invitae), Labcorp).

NM_015662.3(IFT172):c.1325+6C>T

Gene: IFT172 (intraflagellar transport 172; minus strand). Cytogenetic location: 2p23.3.
Variant type: single nucleotide variant.
Coding change: c.1325+6C>T on transcript NM_015662.3 (MANE Select); 6 bases into the intron after coding-DNA position 1325, C replaced by T.
Molecular consequence: intron variant.
Genome position (GRCh38, 1-based): chr2:27,477,211, G>A on the plus strand (C>T on the coding strand, the complement: IFT172 is on the minus strand). VCF-style: chr2-27477211-G-A. GRCh37 (hg19) VCF-style: chr2-27700078-G-A.
Identifiers: ClinVar variation 1403782 (VCV001403782.7), dbSNP rs753078264, ClinGen allele CA2573134434.